The following is an entry in ClinVar:

ClinVar aggregate classification (germline): Conflicting classifications of pathogenicity. Review status: criteria provided, conflicting classifications (1 of 4 stars). 2 submissions from 2 submitters: Uncertain significance (1); Likely benign (1). Last evaluated 2025-12-10.

Conditions:
BAP1-related tumor predisposition syndrome (TPDS1). Also called: COMMON Syndrome; TUMOR PREDISPOSITION SYNDROME 1; BAP1 tumor predisposition syndrome; Tumor susceptibility linked to germline BAP1 mutations. Identifiers: Orphanet 289539, MedGen C3280492, MONDO:0013692, OMIM 614327.
Hereditary cancer-predisposing syndrome. Also called: Neoplastic Syndromes, Hereditary; Hereditary Cancer Syndrome; Hereditary neoplastic syndrome; Tumor predisposition. Identifiers: Orphanet 140162, MedGen C0027672, MeSH D009386, MONDO:0015356.

Submissions (2):

Ambry Genetics
Classification: Likely benign for Hereditary cancer-predisposing syndrome. Last evaluated: 2025-12-10. Review status: criteria provided, single submitter. Criteria: Ambry Variant Classification Scheme 2023. Collection method: clinical testing. Allele origin: germline.

Labcorp Genetics (formerly Invitae), Labcorp
Classification: Uncertain significance for BAP1-related tumor predisposition syndrome. Last evaluated: 2022-02-23. Review status: criteria provided, single submitter. Criteria: Invitae Variant Classification Sherloc (09022015). Collection method: clinical testing. Allele origin: germline.
Comment: In summary, the available evidence is currently insufficient to determine the role of this variant in disease. Therefore, it has been classified as a Variant of Uncertain Significance. This variant, c.670_672del, results in the deletion of 1 amino acid(s) of the BAP1 protein (p.His224del), but otherwise preserves the integrity of the reading frame. This variant is present in population databases (no rsID available, gnomAD 0.0009%). This variant has not been reported in the literature in individuals affected with BAP1-related conditions. ClinVar contains an entry for this variant (Variation ID: 539905). Experimental studies and prediction algorithms are not available or were not evaluated, and the functional significance of this variant is currently unknown.

Literature cited by the submitters: PubMed 38969833 (cited by Ambry Genetics).

NM_004656.4(BAP1):c.670_672del (p.His224del)

Gene: BAP1 (BRCA1 associated deubiquitinase 1; minus strand). Cytogenetic location: 3p21.1.
Variant type: Deletion.
Coding change: c.670_672del on transcript NM_004656.4 (MANE Select); coding-DNA positions 670 to 672, 3 bases deleted (CAC; older notation c.670_672delCAC).
Protein change: p.His224del; deletes histidine 224.
Molecular consequence: inframe deletion.
Genome position (GRCh38, 1-based): chr3:52,406,364-52,406,366, GTG deleted on the plus strand (CAC on the coding strand, the reverse complement: BAP1 is on the minus strand); deleting any 3 consecutive bases within chr3:52,406,364-52,406,368 gives the same sequence; the c. name uses the placement nearest the transcript's 3' end. VCF-style (leftmost placement, unchanged base first): chr3-52406363-CGTG-C. GRCh37 (hg19) VCF-style: chr3-52440379-CGTG-C.
Other names: short protein forms H224del.
Identifiers: ClinVar variation 539905 (VCV000539905.9), dbSNP rs1337893429, ClinGen allele CA542899084.